The following is an entry in ClinVar:

NM_001172509.2(SATB2):c.1434C>T (p.Gly478=)

Gene: SATB2 (SATB homeobox 2; minus strand). Cytogenetic location: 2q33.1.
Variant type: single nucleotide variant.
Coding change: c.1434C>T on transcript NM_001172509.2 (MANE Select); coding-DNA position 1434, C replaced by T.
Protein change: p.Gly478=; no amino-acid change (glycine 478 retained).
Molecular consequence: synonymous variant.
Genome position (GRCh38, 1-based): chr2:199,323,911, G>A on the plus strand (C>T on the coding strand, the complement: SATB2 is on the minus strand). VCF-style: chr2-199323911-G-A. GRCh37 (hg19) VCF-style: chr2-200188634-G-A.
Other names: c.1434C>T, p.Gly478= (NM_001172517.1, NM_015265.4).
Identifiers: ClinVar variation 537284 (VCV000537284.18), dbSNP rs149056216, ClinGen allele CA2045880.

ClinVar aggregate classification (germline): Benign. Review status: criteria provided, multiple submitters, no conflicts (2 of 4 stars). 4 submissions from 4 submitters: Benign (3). 1 of the submissions does not count toward it. Last evaluated 2026-01-21.

Conditions:
Chromosome 2q32-q33 deletion syndrome (GLASS). Also called: Glass syndrome; 2q33.1 deletion syndrome. Identifiers: Orphanet 251019, MedGen C2676739, MONDO:0012864, OMIM 612313.
SATB2-related disorder. Also called: SATB2-related condition.
Inborn genetic diseases. Identifiers: MedGen C0950123, MeSH D030342.

Allele frequency attached by ClinVar (database versions not stated): gnomAD exomes 0.00029 and 0.00008; 1000 Genomes Project 0.00200; 1000 Genomes Project 30x 0.00234; ExAC 0.00043; gnomAD 0.00104 and 0.00109; TOPMed 0.00105; ESP Exome Variant Server 0.00115.
gnomAD v4.1: 272 of 1,613,328 alleles (0.017%); highest among the groups gnomAD compares: African/African-American, 0.32%; no homozygotes.

Submissions (4):

Labcorp Genetics (formerly Invitae), Labcorp
Classification: Benign for Chromosome 2q32-q33 deletion syndrome. Last evaluated: 2026-01-21. Review status: criteria provided, single submitter. Criteria: Invitae Variant Classification Sherloc (09022015). Collection method: clinical testing. Allele origin: germline.

Ambry Genetics
Classification: Benign for Inborn genetic diseases. Last evaluated: 2019-06-07. Review status: criteria provided, single submitter. Criteria: Ambry Variant Classification Scheme 2023. Collection method: clinical testing. Allele origin: germline.

GeneDx
Classification: Benign. Last evaluated: 2019-03-22. Review status: criteria provided, single submitter. Criteria: GeneDx Variant Classification Process June 2021. Collection method: clinical testing. Allele origin: germline. Affected: yes.

PreventionGenetics, part of Exact Sciences
Classification: Likely benign for SATB2-related condition. Last evaluated: 2019-07-12. Review status: no assertion criteria provided. Collection method: clinical testing. Allele origin: germline. Not counted in ClinVar's aggregate classification.
Comment: This variant is classified as likely benign based on ACMG/AMP sequence variant interpretation guidelines (Richards et al. 2015 PMID: 25741868, with internal and published modifications).